The following is an entry in ClinVar:

ClinVar aggregate classification (germline): Uncertain significance. Review status: criteria provided, multiple submitters, no conflicts (2 of 4 stars). 2 submissions from 2 submitters: Uncertain significance (2). Last evaluated 2023-06-08.

Conditions:
Hypokalemic periodic paralysis, type 1. Also called: Hypokalemic Periodic Paralysis Type 1 (AD); HypoPP. Identifiers: Orphanet 681, MedGen C3714580, MONDO:0042979, OMIM 170400.
Malignant hyperthermia, susceptibility to, 5 (MHS5). Also called: CACNA1S-Related Malignant Hyperthermia Susceptibility. Identifiers: Orphanet 423, MedGen C1866077, MONDO:0011163, OMIM 601887.

Submissions (2):

All of Us Research Program, National Institutes of Health
Classification: Uncertain significance for Malignant hyperthermia, susceptibility to, 5. Last evaluated: 2023-06-08. Review status: criteria provided, single submitter. Criteria: ACMG Guidelines, 2015. Collection method: clinical testing. Allele origin: germline. Inheritance: Autosomal dominant inheritance. Observed: 1 variant allele, 1 heterozygote.
Comment: This missense variant replaces isoleucine with valine at codon 428 of the CACNA1S protein. Computational prediction suggests that this variant may not impact protein structure and function (internally defined REVEL score threshold <= 0.5, PMID: 27666373). To our knowledge, functional studies have not been reported for this variant. This variant has not been reported in individuals affected with CACNA1S-related disorders in the literature. This variant has not been identified in the general population by the Genome Aggregation Database (gnomAD). The available evidence is insufficient to determine the role of this variant in disease conclusively. Therefore, this variant is classified as a Variant of Uncertain Significance.

This study involves interpretation of variants in research participants for the purpose of population health screening. Participant phenotype was not available at the time of variant classification. Additional details can be found in publication PMID: 35346344, PMCID: PMC8962531

Labcorp Genetics (formerly Invitae), Labcorp
Classification: Uncertain significance for Hypokalemic periodic paralysis, type 1; Malignant hyperthermia, susceptibility to, 5. Last evaluated: 2018-10-14. Review status: criteria provided, single submitter. Criteria: Invitae Variant Classification Sherloc (09022015). Collection method: clinical testing. Allele origin: germline.
Comment: In summary, the available evidence is currently insufficient to determine the role of this variant in disease. Therefore, it has been classified as a Variant of Uncertain Significance. Algorithms developed to predict the effect of missense changes on protein structure and function output the following: SIFT: "Tolerated"; PolyPhen-2: "Benign"; Align-GVGD: "Class C0". The valine amino acid residue is found in multiple mammalian species, suggesting that this missense change does not adversely affect protein function. These predictions have not been confirmed by published functional studies and their clinical significance is uncertain. This variant has not been reported in the literature in individuals with CACNA1S-related disease. This variant is not present in population databases (ExAC no frequency). This sequence change replaces isoleucine with valine at codon 428 of the CACNA1S protein (p.Ile428Val). The isoleucine residue is weakly conserved and there is a small physicochemical difference between isoleucine and valine.

NM_000069.3(CACNA1S):c.1282A>G (p.Ile428Val)

Gene: CACNA1S (calcium voltage-gated channel subunit alpha1 S; minus strand). Cytogenetic location: 1q32.1.
Variant type: single nucleotide variant.
Coding change: c.1282A>G on transcript NM_000069.3 (MANE Select); coding-DNA position 1282, A replaced by G.
Protein change: p.Ile428Val; replaces isoleucine 428 with valine.
Molecular consequence: missense variant.
Genome position (GRCh38, 1-based): chr1:201,083,273, T>C on the plus strand (A>G on the coding strand, the complement: CACNA1S is on the minus strand). VCF-style: chr1-201083273-T-C. GRCh37 (hg19) VCF-style: chr1-201052401-T-C.
Other names: short protein forms I428V.
Identifiers: ClinVar variation 645249 (VCV000645249.10), dbSNP rs756504992, ClinGen allele CA344125929.